The following is an entry in ClinVar:

NM_001042492.3(NF1):c.2326-12C>T

Gene: NF1 (neurofibromin 1; plus strand). Cytogenetic location: 17q11.2.
Variant type: single nucleotide variant.
Coding change: c.2326-12C>T on transcript NM_001042492.3 (MANE Select); 12 bases into the intron before coding-DNA position 2326, C replaced by T.
Molecular consequence: intron variant.
Genome position (GRCh38, 1-based): chr17:31,227,511, C>T. VCF-style: chr17-31227511-C-T. GRCh37 (hg19) VCF-style: chr17-29554529-C-T.
Other names: c.2326-12C>T (NM_000267.4).
Identifiers: ClinVar variation 1620315 (VCV001620315.10), dbSNP rs1028639542, ClinGen allele CA289335446.

ClinVar aggregate classification (germline): Conflicting classifications of pathogenicity. Review status: criteria provided, conflicting classifications (1 of 4 stars). 3 submissions from 3 submitters: Uncertain significance (1); Likely benign (2). Last evaluated 2026-09-22.

Conditions:
Hereditary cancer-predisposing syndrome. Also called: Neoplastic Syndromes, Hereditary; Tumor predisposition; Hereditary Cancer Syndrome; Hereditary neoplastic syndrome. Identifiers: Orphanet 140162, MedGen C0027672, MeSH D009386, MONDO:0015356.
Neurofibromatosis, type 1 (NF1). Also called: NEUROFIBROMATOSIS, TYPE I, SOMATIC; Neurofibromatosis, type I; VON RECKLINGHAUSEN DISEASE; Peripheral type neurofibromatosis. Identifiers: Orphanet 636, MedGen C0027831, MONDO:0018975, OMIM 162200. Disease mechanism: loss of function.

Allele frequency attached by ClinVar (database versions not stated): gnomAD exomes below 0.00001 and 0.00002; TOPMed below 0.00001; gnomAD 0.00001.
gnomAD v4.1: 29 of 1,613,348 alleles (0.0018%); highest among the groups gnomAD compares: Non-Finnish European, 0.0023%; no homozygotes.

Submissions (3):

Myriad Genetics, Inc.
Classification: Likely benign for Neurofibromatosis, type 1. Last evaluated: 2026-09-22. Review status: criteria provided, single submitter. Criteria: Myriad Autosomal Dominant, Autosomal Recessive and X-Linked Classification Criteria (2023). Collection method: clinical testing. Allele origin: unknown.
Comment: This variant is considered likely benign. This variant is intronic and is not expected to impact mRNA splicing.

Labcorp Genetics (formerly Invitae), Labcorp
Classification: Likely benign for Neurofibromatosis, type 1. Last evaluated: 2025-11-05. Review status: criteria provided, single submitter. Criteria: Invitae Variant Classification Sherloc (09022015). Collection method: clinical testing. Allele origin: germline.

Sema4
Classification: Uncertain significance for Hereditary cancer-predisposing syndrome. Last evaluated: 2021-10-19. Review status: criteria provided, single submitter. Criteria: Sema4 Curation Guidelines. Collection method: curation. Allele origin: germline.
Comment: The NF1 c.2326-12C>T variant has not been reported in the literature to our knowledge. It was observed in 1/16238 chromosomes of the African subpopulation in the large and broad cohorts of the Genome Aggregation Database (PMID: 32461654), but has not been reported in ClinVar. In silico tools suggest the variant does not disrupt normal splicing, though these predictions have not been confirmed by functional studies. The evidence is insufficient to meet ACMG/AMP criteria for classifying the variant as benign or pathogenic. Thus, the clinical significance of this variant is currently uncertain.